The following is an entry in ClinVar:

ClinVar aggregate classification (germline): Uncertain significance (1 of 4 stars; one submission).

Conditions:
Methylmalonic aciduria, cblA type (MACA). Also called: Methylmalonic aciduria, vitamin B12-responsive; Vitamin B12-responsive methylmalonic acidemia type cblA; Methylmalonic aciduria, vitamin b12-responsive, due to defect in synthesis of adenosylcobalamin, cbla complementation type; MMA cbl A type; Methylmalonic acidemia cblA type. Identifiers: Orphanet 28, Orphanet 79310, MedGen C1855109, MONDO:0009613, OMIM 251100.

Allele frequency attached by ClinVar (database versions not stated): ExAC 0.00001; gnomAD 0.00001; gnomAD exomes 0.00001; TOPMed 0.00001; ESP Exome Variant Server 0.00008.

Submission:

Labcorp Genetics (formerly Invitae), Labcorp
Classification: Uncertain significance for Methylmalonic aciduria, cblA type. Last evaluated: 2022-01-17. Review status: criteria provided, single submitter. Criteria: Invitae Variant Classification Sherloc (09022015). Collection method: clinical testing. Allele origin: germline.
Comment: This sequence change replaces glycine, which is neutral and non-polar, with serine, which is neutral and polar, at codon 153 of the MMAA protein (p.Gly153Ser). This variant is present in population databases (rs147586746, gnomAD 0.004%). This variant has not been reported in the literature in individuals affected with MMAA-related conditions. Advanced modeling of protein sequence and biophysical properties (such as structural, functional, and spatial information, amino acid conservation, physicochemical variation, residue mobility, and thermodynamic stability) performed at Invitae indicates that this missense variant is expected to disrupt MMAA protein function. Algorithms developed to predict the effect of sequence changes on RNA splicing suggest that this variant may create or strengthen a splice site. In summary, the available evidence is currently insufficient to determine the role of this variant in disease. Therefore, it has been classified as a Variant of Uncertain Significance.

NM_172250.3(MMAA):c.457G>A (p.Gly153Ser)

Gene: MMAA (metabolism of cobalamin associated A; plus strand). Cytogenetic location: 4q31.21.
Variant type: single nucleotide variant.
Coding change: c.457G>A on transcript NM_172250.3 (MANE Select); coding-DNA position 457, G replaced by A.
Protein change: p.Gly153Ser; replaces glycine 153 with serine.
Molecular consequence: missense variant.
Genome position (GRCh38, 1-based): chr4:145,642,380, G>A. VCF-style: chr4-145642380-G-A. GRCh37 (hg19) VCF-style: chr4-146563532-G-A.
Other names: c.457G>A, p.Gly153Ser (NM_001375644.1); short protein forms G153S.
Identifiers: ClinVar variation 2202735 (VCV002202735.1), dbSNP rs147586746, ClinGen allele CA3095184.